The following is an entry in ClinVar:

ClinVar aggregate classification (germline): Pathogenic (1 of 4 stars; one submission).

Conditions:
Epidermolysis bullosa simplex with nail dystrophy (EBS5D). Identifiers: MedGen C4225309, MONDO:0014661, OMIM 616487.
Epidermolysis bullosa simplex 5C, with pyloric atresia (EBS5C). Also called: PLEC-Related Epidermolysis Bullosa with Pyloric Atresia; Epidermolysis bullosa simplex with pyloric atresia; PLEC1-Related Epidermolysis Bullosa with Pyloric Atresia. Identifiers: Orphanet 158684, MedGen C2677349, MONDO:0012807, OMIM 612138.
Autosomal recessive limb-girdle muscular dystrophy type 2Q (LGMDR17). Also called: MUSCULAR DYSTROPHY, LIMB-GIRDLE, AUTOSOMAL RECESSIVE 17. Identifiers: Orphanet 254361, MedGen C3150989, MONDO:0013390, OMIM 613723.
Epidermolysis bullosa simplex 5B, with muscular dystrophy (EBS5B). Also called: Epidermolysis bullosa simplex with muscular dystrophy; EPIDERMOLYSIS BULLOSA SIMPLEX AND LIMB-GIRDLE MUSCULAR DYSTROPHY. Identifiers: Orphanet 257, MedGen C2931072, MONDO:0009181, OMIM 226670.
Epidermolysis bullosa simplex, Ogna type (EBS5A). Also called: Pidermolysis bullosa simplex 5A, Ogna type; EPIDERMOLYSIS BULLOSA SIMPLEX 5A, OGNA TYPE. Identifiers: Orphanet 79401, MedGen C0432317, MONDO:0007555, OMIM 131950.

Submission:

Labcorp Genetics (formerly Invitae), Labcorp
Classification: Pathogenic for Autosomal recessive limb-girdle muscular dystrophy type 2Q; Epidermolysis bullosa simplex, Ogna type; Epidermolysis bullosa simplex with nail dystrophy; Epidermolysis bullosa simplex 5C, with pyloric atresia; Epidermolysis bullosa simplex 5B, with muscular dystrophy. Last evaluated: 2021-08-15. Review status: criteria provided, single submitter. Criteria: Invitae Variant Classification Sherloc (09022015). Collection method: clinical testing. Allele origin: germline.
Comment: This sequence change creates a premature translational stop signal (p.Glu2387*) in the PLEC gene. It is expected to result in an absent or disrupted protein product. Loss-of-function variants in PLEC are known to be pathogenic (PMID: 20301336, 20447487, 21109228, 23289980, 28824526). This variant is not present in population databases (ExAC no frequency). This premature translational stop signal has been observed in individual(s) with autosomal recessive PLEC-related conditions (PMID: 29352809). For these reasons, this variant has been classified as Pathogenic.

Literature cited by the submitters: PubMed 20301336; PubMed 20447487; PubMed 21109228; PubMed 23289980; PubMed 28824526; PubMed 29352809.

NM_201384.3(PLEC):c.7078G>T (p.Glu2360Ter)

Gene: PLEC (plectin; minus strand). Cytogenetic location: 8q24.3.
Variant type: single nucleotide variant.
Coding change: c.7078G>T on transcript NM_201384.3 (MANE Select); coding-DNA position 7078, G replaced by T.
Protein change: p.Glu2360Ter; replaces glutamic acid 2360 with a stop codon.
Molecular consequence: nonsense.
Genome position (GRCh38, 1-based): chr8:143,922,851, C>A on the plus strand (G>T on the coding strand, the complement: PLEC is on the minus strand). VCF-style: chr8-143922851-C-A. GRCh37 (hg19) VCF-style: chr8-144997019-C-A.
Other names: c.7159G>T, p.Glu2387Ter (NM_000445.5); c.7036G>T, p.Glu2346Ter (NM_201378.4); c.7012G>T, p.Glu2338Ter (NM_201379.3); c.7489G>T, p.Glu2497Ter (NM_201380.4); c.6982G>T, p.Glu2328Ter (NM_201381.3); c.7078G>T, p.Glu2360Ter (NM_201382.4); c.7090G>T, p.Glu2364Ter (NM_201383.3); short protein forms E2338*, E2387*, E2364*, E2497*, E2328*, E2360*, E2346*.
Identifiers: ClinVar variation 1455166 (VCV001455166.6), dbSNP rs2131284343, ClinGen allele CA372530014.